The following is an entry in ClinVar:

NM_002618.4(PEX13):c.*3012A>G

Gene: PEX13 (peroxisomal biogenesis factor 13; plus strand). Cytogenetic location: 2p15.
Variant type: single nucleotide variant.
Coding change: c.*3012A>G on transcript NM_002618.4 (MANE Select); 3012 bases downstream of the stop codon, A replaced by G.
Molecular consequence: 3 prime UTR variant.
Genome position (GRCh38, 1-based): chr2:61,051,782, A>G. VCF-style: chr2-61051782-A-G. GRCh37 (hg19) VCF-style: chr2-61278917-A-G.
Identifiers: ClinVar variation 336706 (VCV000336706.5), dbSNP rs144691386, ClinGen allele CA10614239.

ClinVar aggregate classification (germline): Likely benign (1 of 4 stars; one submission).

Conditions:
Peroxisome biogenesis disorder 11A (Zellweger). Also called: Peroxisome biogenesis disorder 11A. Identifiers: Orphanet 912, MedGen C3554000, MONDO:0013949, OMIM 614883.

Allele frequency attached by ClinVar (database versions not stated): gnomAD 0.00269 and 0.00283; TOPMed 0.00303; 1000 Genomes Project 0.00439; 1000 Genomes Project 30x 0.00484.
gnomAD v4.1: 411 of 152,454 alleles (0.27%); highest among the groups gnomAD compares: African/African-American, 0.84%; 2 homozygotes.

Submission:

Illumina Laboratory Services, Illumina
Classification: Likely benign for Peroxisome biogenesis disorder 11A (Zellweger). Last evaluated: 2018-01-12. Review status: criteria provided, single submitter. Criteria: ICSL Variant Classification Criteria 13 December 2019. Collection method: clinical testing. Allele origin: germline.
Comment: This variant was observed in the ICSL laboratory as part of a predisposition screen in an ostensibly healthy population. It had not been previously curated by ICSL or reported in the Human Gene Mutation Database (HGMD: prior to June 1st, 2018), and was therefore a candidate for classification through an automated scoring system. Utilizing variant allele frequency, disease prevalence and penetrance estimates, and inheritance mode, an automated score was calculated to assess if this variant is too frequent to cause the disease. Based on the score and internal cut-off values, a variant classified as likely benign is not then subjected to further curation. The score for this variant resulted in a classification of likely benign for this disease.